The following is an entry in ClinVar:

ClinVar aggregate classification (germline): Benign/Likely benign. Review status: criteria provided, multiple submitters, no conflicts (2 of 4 stars). 4 submissions from 4 submitters: Benign (3); Likely benign (1). Last evaluated 2026-01-20.

Allele frequency attached by ClinVar (database versions not stated): gnomAD exomes 0.00161 and 0.00387; ExAC 0.00452; ESP Exome Variant Server 0.01392; gnomAD 0.01470 and 0.01556; TOPMed 0.01633; 1000 Genomes Project 0.01717; 1000 Genomes Project 30x 0.01780.
gnomAD v4.1: 4,765 of 1,612,528 alleles (0.3%); highest among the groups gnomAD compares: African/African-American, 5.4%; 116 homozygotes.

Submissions (4):

Labcorp Genetics (formerly Invitae), Labcorp
Classification: Benign. Last evaluated: 2026-01-20. Review status: criteria provided, single submitter. Criteria: Invitae Variant Classification Sherloc (09022015). Collection method: clinical testing. Allele origin: germline.

ARUP Laboratories, Molecular Genetics and Genomics, ARUP Laboratories
Classification: Benign. Last evaluated: 2025-07-24. Review status: criteria provided, single submitter. Criteria: ARUP Molecular Germline Variant Investigation Process 2024. Collection method: clinical testing. Allele origin: germline.

Mayo Clinic Laboratories, Mayo Clinic
Classification: Likely benign. Last evaluated: 2025-04-09. Review status: criteria provided, single submitter. Criteria: ACMG Guidelines, 2015. Collection method: clinical testing. Allele origin: germline. Observed: 33 variant alleles.
Comment: BS1, BS2, BP4, BP7

Breakthrough Genomics
Classification: Benign. Review status: criteria provided, single submitter. Criteria: ACMG Guidelines, 2015. Collection method: not provided. Allele origin: germline. Inheritance: Autosomal recessive inheritance. Affected: yes.

NM_003126.4(SPTA1):c.3896+19C>T

Gene: SPTA1 (spectrin alpha, erythrocytic 1; minus strand). Cytogenetic location: 1q23.1.
Variant type: single nucleotide variant.
Coding change: c.3896+19C>T on transcript NM_003126.4 (MANE Select); 19 bases into the intron after coding-DNA position 3896, C replaced by T.
Molecular consequence: intron variant.
Genome position (GRCh38, 1-based): chr1:158,647,520, G>A on the plus strand (C>T on the coding strand, the complement: SPTA1 is on the minus strand). VCF-style: chr1-158647520-G-A. GRCh37 (hg19) VCF-style: chr1-158617310-G-A.
Other names: p.?.
Identifiers: ClinVar variation 994200 (VCV000994200.21), dbSNP rs76879596, ClinGen allele CA1182906.